The following is an entry in ClinVar:

ClinVar aggregate classification (germline): Pathogenic. Review status: criteria provided, single submitter (1 of 4 stars). 2 submissions from 1 submitter: Pathogenic (1). 1 of the submissions does not count toward it. Last evaluated 2022-09-13.

Conditions:
Autosomal recessive juvenile Parkinson disease 2. Also called: PARKINSON DISEASE, JUVENILE, AUTOSOMAL RECESSIVE; PRKN-Related Early-Onset Parkinson Disease; Parkinson disease, juvenile, type 2; Parkinson disease autosomal recessive, early onset; Juvenile parkinsonism; Parkinsonism, early onset, with diurnal fluctuation. Identifiers: Orphanet 2828, MedGen C1868675, MONDO:0010820, OMIM 600116.

Submissions (2):

Labcorp Genetics (formerly Invitae), Labcorp
Classification: Pathogenic. Last evaluated: 2022-09-13. Review status: criteria provided, single submitter. Criteria: Invitae Variant Classification Sherloc (09022015). Collection method: clinical testing. Allele origin: germline.
Comment: This variant is a gross deletion of the genomic region encompassing exon(s) 3 of the PRKN gene. This deletion is out-of-frame, and is expected to create a premature termination codon and result in an absent or disrupted protein product. Loss-of-function variants in PRKN are known to be pathogenic (PMID: 10072423, 20301651, 22956510). A similar copy number variant has been observed in individuals with early-onset Parkinson disease (PMID: 19715670, 23880019, 25833766). It has also been observed to segregate with disease in related individuals. For these reasons, this variant has been classified as Pathogenic.

Labcorp Genetics (formerly Invitae), Labcorp
Classification: Pathogenic for Parkinson disease 2. Last evaluated: 2018-04-26. Review status: flagged submission. Criteria: Invitae Variant Classification Sherloc (09022015). Collection method: clinical testing. Allele origin: germline. Not counted in ClinVar's aggregate classification.
Comment: This variant is an out-of-frame deletion of the genomic region encompassing exon 3 of the PARK2 gene. This is expected to create a premature translational stop signal and result in an absent or disrupted protein product. A similar deletion of exon 3 has been reportedÂ¬â€ in multiple individuals and families affected with early onset Parkinson's disease (PMID: 25833766, 19715670, 23880019). Loss-of-function variants in PARK2 are known to be pathogenic (PMID: 10072423, 20301651, 22956510). For these reasons, this variant has been classified as Pathogenic.
ClinVar note: Reason: This record appears to be redundant with a more recent record from the same submitter.
ClinVar note: Notes: SCV000645374 appears to be redundant with SCV002142184.

Literature cited by the submitters: PubMed 10072423; PubMed 20301651; PubMed 22956510; PubMed 19715670; PubMed 23880019; PubMed 25833766.

NC_000006.12:g.(?_162262505)_(162262785_?)del

Gene: PRKN (parkin RBR E3 ubiquitin protein ligase; minus strand). Cytogenetic location: 6q26.
Variant type: Deletion.
Identifiers: ClinVar variation 468580 (VCV000468580.5).